The following is an entry in ClinVar:

NM_000393.5(COL5A2):c.403-16T>A

Gene: COL5A2 (collagen type V alpha 2 chain; minus strand). Cytogenetic location: 2q32.2.
Variant type: single nucleotide variant.
Coding change: c.403-16T>A on transcript NM_000393.5 (MANE Select); 16 bases into the intron before coding-DNA position 403, T replaced by A.
Molecular consequence: intron variant.
Genome position (GRCh38, 1-based): chr2:189,097,346, A>T on the plus strand (T>A on the coding strand, the complement: COL5A2 is on the minus strand). VCF-style: chr2-189097346-A-T. GRCh37 (hg19) VCF-style: chr2-189962072-A-T.
Identifiers: ClinVar variation 136969 (VCV000136969.12), dbSNP rs117085226, ClinGen allele CA290417.

ClinVar aggregate classification (germline): Benign/Likely benign. Review status: criteria provided, multiple submitters, no conflicts (2 of 4 stars). 6 submissions from 6 submitters: Benign (5); Likely benign (1). Last evaluated 2026-02-03.

Conditions:
Ehlers-Danlos syndrome, classic type, 1 (EDSCL1). Also called: Ehlers-Danlos syndrome, type 1; EHLERS-DANLOS SYNDROME, GRAVIS TYPE; EHLERS-DANLOS SYNDROME, SEVERE CLASSIC TYPE; Ehlers-Danlos Syndrome, Classic Type, COL5A1-Related; EDS I. Identifiers: MedGen C0268335, MONDO:0019567, OMIM 130000.

Allele frequency attached by ClinVar (database versions not stated): ESP Exome Variant Server 0.00769; gnomAD exomes 0.00954 and 0.02224; gnomAD 0.01199 and 0.01490; TOPMed 0.01572; ExAC 0.02230; 1000 Genomes Project 0.04273; 1000 Genomes Project 30x 0.04341.
gnomAD v4.1: 16,418 of 1,613,276 alleles (1%); highest among the groups gnomAD compares: South Asian, 7.8%; 563 homozygotes.

Submissions (13):

Labcorp Genetics (formerly Invitae), Labcorp
Classification: Benign for Ehlers-Danlos syndrome, classic type, 1. Last evaluated: 2026-02-03. Review status: criteria provided, single submitter. Criteria: Invitae Variant Classification Sherloc (09022015). Collection method: clinical testing. Allele origin: germline.

Blueprint Genetics
Classification: Likely benign. Last evaluated: 2024-11-26. Review status: criteria provided, single submitter. Criteria: ACMG Guidelines, 2015. Collection method: clinical testing. Allele origin: germline.

Women's Health and Genetics/Laboratory Corporation of America, LabCorp
Classification: Benign. Last evaluated: 2017-03-16. Review status: criteria provided, single submitter. Criteria: LabCorp Variant Classification Summary - May 2015. Collection method: clinical testing. Allele origin: germline.
Comment: Variant summary: The COL5A2 c.403-16T>A variant involves the alteration of a non-conserved intronic nucleotide. One in silico tool predicts a benign outcome for this variant. 5/5 splice prediction tools predict no significant impact on normal splicing. However, these predictions have yet to be confirmed by functional studies. The variant of interest has been observed in a large, broad control population, ExAC, in 2692/120714 control chromosomes (91 homozygotes) at a frequency of 0.0223006, which is approximately 3568 times the estimated maximal expected allele frequency of a pathogenic COL5A2 variant (0.0000063), suggesting this variant is likely a benign polymorphism. In addition, multiple clinical diagnostic laboratories/reputable databases classified this variant as benign. The variant of interest has not, to our knowledge, been reported in affected individuals via publications nor evaluated for functional impact by in vivo/vitro studies. Taken together, this variant is classified as benign.

GeneDx
Classification: Benign. Last evaluated: 2013-05-14. Review status: criteria provided, single submitter. Criteria: GeneDx Variant Classification (06012015). Collection method: clinical testing. Allele origin: germline. Affected: yes.
Comment: This variant is considered likely benign or benign based on one or more of the following criteria: it is a conservative change, it occurs at a poorly conserved position in the protein, it is predicted to be benign by multiple in silico algorithms, and/or has population frequency not consistent with disease.

Breakthrough Genomics
Classification: Benign. Review status: criteria provided, single submitter. Criteria: ACMG Guidelines, 2015. Collection method: not provided. Allele origin: germline. Inheritance: Autosomal dominant inheritance. Affected: yes.

PreventionGenetics, part of Exact Sciences
Classification: Benign. Review status: criteria provided, single submitter. Criteria: ACMG Guidelines, 2015. Collection method: clinical testing. Allele origin: germline.

Dr. Peter K. Rogan Lab, Western University
No classification provided (evidence only). Condition: Ovarian serous cystadenocarcinoma. Review status: no classification provided. Collection method: in vitro. Allele origin: not applicable. Functional consequence: retained intron. Not counted in ClinVar's aggregate classification.

Dr. Peter K. Rogan Lab, Western University
No classification provided (evidence only). Condition: Malignant tumor of esophagus. Review status: no classification provided. Collection method: in vitro. Allele origin: not applicable. Functional consequence: retained intron. Not counted in ClinVar's aggregate classification.

Dr. Peter K. Rogan Lab, Western University
No classification provided (evidence only). Condition: Malignant tumor of esophagus. Review status: no classification provided. Collection method: in vitro. Allele origin: not applicable. Functional consequence: retained intron. Not counted in ClinVar's aggregate classification.

Dr. Peter K. Rogan Lab, Western University
No classification provided (evidence only). Condition: Malignant tumor of esophagus. Review status: no classification provided. Collection method: in vitro. Allele origin: not applicable. Functional consequence: retained intron. Not counted in ClinVar's aggregate classification.

Dr. Peter K. Rogan Lab, Western University
No classification provided (evidence only). Condition: Familial pancreatic carcinoma. Review status: no classification provided. Collection method: in vitro. Allele origin: not applicable. Functional consequence: retained intron. Not counted in ClinVar's aggregate classification.

Dr. Peter K. Rogan Lab, Western University
No classification provided (evidence only). Condition: Hepatocellular carcinoma. Review status: no classification provided. Collection method: in vitro. Allele origin: not applicable. Functional consequence: retained intron. Not counted in ClinVar's aggregate classification.

Dr. Peter K. Rogan Lab, Western University
No classification provided (evidence only). Condition: Hepatocellular carcinoma. Review status: no classification provided. Collection method: in vitro. Allele origin: not applicable. Functional consequence: retained intron. Not counted in ClinVar's aggregate classification.